The following is an entry in ClinVar:

ClinVar aggregate classification (germline): Uncertain significance. Review status: criteria provided, multiple submitters, no conflicts (2 of 4 stars). 2 submissions from 2 submitters: Uncertain significance (2). Last evaluated 2025-12-01.

Conditions:
Brugada syndrome 8 (BRGDA8). Identifiers: Orphanet 130, MedGen C2751083, MONDO:0013148, OMIM 613123.
Cardiovascular phenotype. Identifiers: MedGen CN230736.

Submissions (2):

Ambry Genetics
Classification: Uncertain significance for Cardiovascular phenotype. Last evaluated: 2025-12-01. Review status: criteria provided, single submitter. Criteria: Ambry Variant Classification Scheme 2023. Collection method: clinical testing. Allele origin: germline.
Comment: The p.P545L variant (also known as c.1634C>T), located in coding exon 5 of the HCN4 gene, results from a C to T substitution at nucleotide position 1634. The proline at codon 545 is replaced by leucine, an amino acid with similar properties. This amino acid position is conserved. In addition, the in silico prediction for this alteration is inconclusive. Based on the available evidence, the clinical significance of this variant remains unclear.

Labcorp Genetics (formerly Invitae), Labcorp
Classification: Uncertain significance for Brugada syndrome 8. Last evaluated: 2022-07-25. Review status: criteria provided, single submitter. Criteria: Invitae Variant Classification Sherloc (09022015). Collection method: clinical testing. Allele origin: germline.
Comment: In summary, the available evidence is currently insufficient to determine the role of this variant in disease. Therefore, it has been classified as a Variant of Uncertain Significance. Advanced modeling of protein sequence and biophysical properties (such as structural, functional, and spatial information, amino acid conservation, physicochemical variation, residue mobility, and thermodynamic stability) performed at Invitae indicates that this missense variant is not expected to disrupt HCN4 protein function. ClinVar contains an entry for this variant (Variation ID: 1390021). This variant has not been reported in the literature in individuals affected with HCN4-related conditions. This variant is not present in population databases (gnomAD no frequency). This sequence change replaces proline, which is neutral and non-polar, with leucine, which is neutral and non-polar, at codon 545 of the HCN4 protein (p.Pro545Leu).

NM_005477.3(HCN4):c.1634C>T (p.Pro545Leu)

Gene: HCN4 (hyperpolarization activated cyclic nucleotide gated potassium channel 4; minus strand). Cytogenetic location: 15q24.1.
Variant type: single nucleotide variant.
Coding change: c.1634C>T on transcript NM_005477.3 (MANE Select); coding-DNA position 1634, C replaced by T.
Protein change: p.Pro545Leu; replaces proline 545 with leucine.
Molecular consequence: missense variant.
Genome position (GRCh38, 1-based): chr15:73,325,401, G>A on the plus strand (C>T on the coding strand, the complement: HCN4 is on the minus strand). VCF-style: chr15-73325401-G-A. GRCh37 (hg19) VCF-style: chr15-73617742-G-A.
Other names: c.1634C>T (NM_005477.2); short protein forms P545L.
Identifiers: ClinVar variation 1390021 (VCV001390021.7), dbSNP rs2151215654, ClinGen allele CA393092086.